The following is an entry in ClinVar:

ClinVar aggregate classification (germline): Pathogenic. Review status: reviewed by expert panel (3 of 4 stars). 2 submissions from 2 submitters: Pathogenic (1). 1 of the submissions does not count toward it. Last evaluated 2016-10-18.

Conditions:
Breast-ovarian cancer, familial, susceptibility to, 1 (BROVCA1). Also called: BRCA1 Hereditary Breast and Ovarian Cancer; OVARIAN CANCER, SUSCEPTIBILITY TO. Identifiers: Orphanet 145, MedGen C2676676, MONDO:0011450, OMIM 604370. Disease mechanism: loss of function.

Submissions (2):

Evidence-based Network for the Interpretation of Germline Mutant Alleles (ENIGMA)
Classification: Pathogenic for Breast-ovarian cancer, familial, susceptibility to, 1. Last evaluated: 2016-10-18. Review status: reviewed by expert panel. Criteria: ENIGMA BRCA1/2 Classification Criteria (2015). Collection method: curation. Allele origin: germline.
Comment: Variant allele predicted to encode a truncated non-functional protein.

Consortium of Investigators of Modifiers of BRCA1/2 (CIMBA), c/o University of Cambridge
Classification: Pathogenic for Breast-ovarian cancer, familial, susceptibility to, 1. Last evaluated: 2015-10-02. Review status: criteria provided, single submitter. Criteria: CIMBA Mutation Classification guidelines May 2016. Collection method: clinical testing. Allele origin: germline. Not counted in ClinVar's aggregate classification.

NM_007294.4(BRCA1):c.3693dup (p.Gly1232fs)

Genes: BRCA1 (BRCA1 DNA repair associated; minus strand), LOC126862571 (BRD4-independent group 4 enhancer GRCh37_chr17:41243136-41244335; plus strand). Cytogenetic location: 17q21.31.
Variant type: Duplication.
Coding change: c.3693dup on transcript NM_007294.4 (MANE Select); coding-DNA position 3693, one base duplicated (T; older notation c.3693dupT).
Protein change: p.Gly1232fs; shifts the reading frame from glycine 1232.
Molecular consequence: frameshift variant. On other transcripts: intron variant (135).
Genome position (GRCh38, 1-based): chr17:43,091,838, A duplicated on the plus strand (T on the coding strand, the reverse complement: BRCA1 is on the minus strand); the first of 3 consecutive A bases (chr17:43,091,838-43,091,840); duplicating any one gives the same sequence. VCF-style (leftmost placement, unchanged base first): chr17-43091837-C-CA. GRCh37 (hg19) VCF-style: chr17-41243854-C-CA.
Other names: 3812insT; c.3693dup, p.Gly1232fs (NM_001407582.1, NM_001407583.1, NM_001407585.1 and 30 more transcripts); c.3690dup, p.Gly1231fs (NM_001407587.1, NM_001407590.1, NM_001407591.1 and 22 more transcripts); c.3615dup, p.Gly1206fs (NM_001407653.1, NM_001407654.1, NM_001407655.1 and 4 more transcripts); c.3612dup, p.Gly1205fs (NM_001407659.1, NM_001407660.1, NM_001407661.1 and 1 more transcripts); c.3567dup, p.Gly1190fs (NM_001407671.1, NM_001407672.1, NM_001407673.1 and 11 more transcripts); c.3570dup, p.Gly1191fs (NM_001407674.1, NM_001407675.1, NM_001407676.1 and 19 more transcripts); c.3552dup, p.Gly1185fs (NM_001407692.1, NM_001407694.1, NM_001407695.1 and 29 more transcripts); and 43 more; short protein forms G1185fs, G1232fs, G1104fs, G1143fs, G1164fs, G1165fs, G1206fs, G1229fs.
Identifiers: ClinVar variation 54962 (VCV000054962.7), dbSNP rs397509092, ClinGen allele CA327887.